The following is an entry in ClinVar:

NM_001099274.3(TINF2):c.176T>C (p.Met59Thr)

Genes: TINF2 (TERF1 interacting nuclear factor 2; minus strand), LOC130055403 (ATAC-STARR-seq lymphoblastoid active region 8199; plus strand). Cytogenetic location: 14q12.
Variant type: single nucleotide variant.
Coding change: c.176T>C on transcript NM_001099274.3 (MANE Select); coding-DNA position 176, T replaced by C.
Protein change: p.Met59Thr; replaces methionine 59 with threonine.
Molecular consequence: missense variant.
Genome position (GRCh38, 1-based): chr14:24,242,157, A>G on the plus strand (T>C on the coding strand, the complement: TINF2 is on the minus strand). VCF-style: chr14-24242157-A-G. GRCh37 (hg19) VCF-style: chr14-24711363-A-G.
Other names: c.176T>C, p.Met59Thr (NM_001363668.2, NM_012461.3); short protein forms M59T.
Identifiers: ClinVar variation 1507998 (VCV001507998.8), dbSNP rs376204748, ClinGen allele CA7130744.

ClinVar aggregate classification (germline): Uncertain significance (1 of 4 stars; one submission).

Conditions:
Dyskeratosis congenita. Identifiers: Orphanet 1775, MedGen C0265965, MONDO:0015780.

Allele frequency attached by ClinVar (database versions not stated): gnomAD exomes below 0.00001; ExAC 0.00001; ESP Exome Variant Server 0.00008.
gnomAD v4.1: 4 of 1,614,228 alleles (0.00025%); highest among the groups gnomAD compares: Non-Finnish European, 0.00034%; no homozygotes.

Submission:

Labcorp Genetics (formerly Invitae), Labcorp
Classification: Uncertain significance for Dyskeratosis congenita. Last evaluated: 2025-03-16. Review status: criteria provided, single submitter. Criteria: Invitae Variant Classification Sherloc (09022015). Collection method: clinical testing. Allele origin: germline.
Comment: This sequence change replaces methionine, which is neutral and non-polar, with threonine, which is neutral and polar, at codon 59 of the TINF2 protein (p.Met59Thr). This variant is present in population databases (rs376204748, gnomAD 0.0009%). This variant has not been reported in the literature in individuals affected with TINF2-related conditions. ClinVar contains an entry for this variant (Variation ID: 1507998). An algorithm developed to predict the effect of missense changes on protein structure and function (PolyPhen-2) suggests that this variant is likely to be tolerated. In summary, the available evidence is currently insufficient to determine the role of this variant in disease. Therefore, it has been classified as a Variant of Uncertain Significance.